The following is an entry in ClinVar:

NM_002335.4(LRP5):c.1165T>C (p.Trp389Arg)

Gene: LRP5 (LDL receptor related protein 5; plus strand). Cytogenetic location: 11q13.2.
Variant type: single nucleotide variant.
Coding change: c.1165T>C on transcript NM_002335.4 (MANE Select); coding-DNA position 1165, T replaced by C.
Protein change: p.Trp389Arg; replaces tryptophan 389 with arginine.
Molecular consequence: missense variant. On other transcripts: 5 prime UTR variant (1).
Genome position (GRCh38, 1-based): chr11:68,386,465, T>C. VCF-style: chr11-68386465-T-C. GRCh37 (hg19) VCF-style: chr11-68153933-T-C.
Other names: c.-601T>C (NM_001291902.2); short protein forms W389R.
Identifiers: ClinVar variation 2105055 (VCV002105055.4), dbSNP rs2496598451, ClinGen allele CA381612371.

ClinVar aggregate classification (germline): Uncertain significance (1 of 4 stars; one submission).

Submission:

Labcorp Genetics (formerly Invitae), Labcorp
Classification: Uncertain significance. Last evaluated: 2022-11-22. Review status: criteria provided, single submitter. Criteria: Invitae Variant Classification Sherloc (09022015). Collection method: clinical testing. Allele origin: germline.
Comment: In summary, the available evidence is currently insufficient to determine the role of this variant in disease. Therefore, it has been classified as a Variant of Uncertain Significance. Advanced modeling of protein sequence and biophysical properties (such as structural, functional, and spatial information, amino acid conservation, physicochemical variation, residue mobility, and thermodynamic stability) performed at Invitae indicates that this missense variant is expected to disrupt LRP5 protein function. This variant has not been reported in the literature in individuals affected with LRP5-related conditions. This variant is not present in population databases (gnomAD no frequency). This sequence change replaces tryptophan, which is neutral and slightly polar, with arginine, which is basic and polar, at codon 389 of the LRP5 protein (p.Trp389Arg).